The following is an entry in ClinVar:

NM_001044385.3(TMEM237):c.1159+3A>G

Gene: TMEM237 (transmembrane protein 237; minus strand). Cytogenetic location: 2q33.1.
Variant type: single nucleotide variant.
Coding change: c.1159+3A>G on transcript NM_001044385.3 (MANE Select); 3 bases into the intron after coding-DNA position 1159, A replaced by G.
Molecular consequence: intron variant.
Genome position (GRCh38, 1-based): chr2:201,626,023, T>C on the plus strand (A>G on the coding strand, the complement: TMEM237 is on the minus strand). VCF-style: chr2-201626023-T-C. GRCh37 (hg19) VCF-style: chr2-202490746-T-C.
Other names: c.1135+3A>G (NM_152388.4).
Identifiers: ClinVar variation 1488269 (VCV001488269.6), dbSNP rs754717992, ClinGen allele CA2056291.

ClinVar aggregate classification (germline): Uncertain significance (1 of 4 stars; one submission).

Conditions:
Joubert syndrome 14 (JBTS14). Identifiers: MedGen C3280766, MONDO:0013745, OMIM 614424.

Allele frequency attached by ClinVar (database versions not stated): gnomAD exomes below 0.00001; ExAC 0.00003.
gnomAD v4.1: 1 of 1,571,198 alleles (0.000064%); highest among the groups gnomAD compares: South Asian, 0.0012%; no homozygotes.

Submission:

Labcorp Genetics (formerly Invitae), Labcorp
Classification: Uncertain significance for Joubert syndrome 14. Last evaluated: 2021-07-02. Review status: criteria provided, single submitter. Criteria: Invitae Variant Classification Sherloc (09022015). Collection method: clinical testing. Allele origin: germline.
Comment: This sequence change falls in intron 12 of the TMEM237 gene. It does not directly change the encoded amino acid sequence of the TMEM237 protein. It affects a nucleotide within the consensus splice site of the intron. This variant is present in population databases (rs754717992, ExAC 0.01%). This variant has not been reported in the literature in individuals affected with TMEM237-related conditions. Nucleotide substitutions within the consensus splice site are a relatively common cause of aberrant splicing (PMID: 17576681, 9536098). Algorithms developed to predict the effect of sequence changes on RNA splicing suggest that this variant may disrupt the consensus splice site. In summary, the available evidence is currently insufficient to determine the role of this variant in disease. Therefore, it has been classified as a Variant of Uncertain Significance.

Literature cited by the submitters: PubMed 17576681; PubMed 9536098.